The following is an entry in ClinVar:

ClinVar aggregate classification (germline): Uncertain significance (1 of 4 stars; one submission).

Conditions:
Left ventricular noncompaction 1 (LVNC1). Also called: LEFT VENTRICULAR NONCOMPACTION 1 WITH OR WITHOUT CONGENITAL HEART DEFECTS. Identifiers: Orphanet 54260, MedGen C1858725, MONDO:0011403, OMIM 604169.

Submission:

Labcorp Genetics (formerly Invitae), Labcorp
Classification: Uncertain significance for Left ventricular noncompaction 1. Last evaluated: 2025-06-04. Review status: criteria provided, single submitter. Criteria: Invitae Variant Classification Sherloc (09022015). Collection method: clinical testing. Allele origin: germline.
Comment: This sequence change replaces isoleucine, which is neutral and non-polar, with threonine, which is neutral and polar, at codon 490 of the DTNA protein (p.Ile490Thr). This variant is not present in population databases (gnomAD no frequency). This variant has not been reported in the literature in individuals affected with DTNA-related conditions. An algorithm developed to predict the effect of missense changes on protein structure and function (PolyPhen-2) suggests that this variant is likely to be disruptive. In summary, the available evidence is currently insufficient to determine the role of this variant in disease. Therefore, it has been classified as a Variant of Uncertain Significance.

NM_001386795.1(DTNA):c.1550T>C (p.Ile517Thr)

Gene: DTNA (dystrobrevin alpha; plus strand). Cytogenetic location: 18q12.1.
Variant type: single nucleotide variant.
Coding change: c.1550T>C on transcript NM_001386795.1 (MANE Select); coding-DNA position 1550, T replaced by C.
Protein change: p.Ile517Thr; replaces isoleucine 517 with threonine.
Molecular consequence: missense variant.
Genome position (GRCh38, 1-based): chr18:34,858,302, T>C. VCF-style: chr18-34858302-T-C. GRCh37 (hg19) VCF-style: chr18-32438266-T-C.
Other names: c.1289T>C, p.Ile430Thr (NM_001198938.2, NM_001198939.2, NM_001198940.2 and 9 more transcripts); c.596T>C, p.Ile199Thr (NM_001198942.1); c.539T>C, p.Ile180Thr (NM_001198943.1); c.425T>C, p.Ile142Thr (NM_001198944.1); c.719T>C, p.Ile240Thr (NM_001198945.2); c.1379T>C, p.Ile460Thr (NM_001386754.1, NM_001386755.1, NM_001386756.1 and 4 more transcripts); c.1376T>C, p.Ile459Thr (NM_001386760.1); c.1298T>C, p.Ile433Thr (NM_001386761.1, NM_032975.4, NM_032979.5); and 7 more; short protein forms I142T, I487T, I517T, I112T, I430T, I180T, I199T, I240T.
Identifiers: ClinVar variation 4720443 (VCV004720443.1).
Genomic context (GRCh38, chr18:34,858,302, plus strand): 5'-AGCTAACTAACCTTGGTTTCTCACCTTCCTCCTCTCTCCCAAGAGAAATCTTACAGGAGA[T>C]CCAGAGACTTCGGCTAGAGCATGAACAAGCTTCTCAGCCCACGCCAGAGAAGGCACAGCA-3'
Protein context (NP_001373724.1, residues 507-527): ENKNREILQE[Ile517Thr]QRLRLEHEQA